The following is an entry in ClinVar:

ClinVar aggregate classification (germline): Uncertain significance (1 of 4 stars; one submission).

Conditions:
Neuropathy, hereditary sensory and autonomic, type 2A (HSAN2A). Also called: WNK1-Related HSAN2 (HSAN2A); ACROOSTEOLYSIS, GIACCAI TYPE; ACROOSTEOLYSIS, NEUROGENIC; MORVAN DISEASE; NEUROPATHY, CONGENITAL SENSORY; NEUROPATHY, HEREDITARY SENSORY RADICULAR, AUTOSOMAL RECESSIVE. Identifiers: Orphanet 970, MedGen C2752089, MONDO:0024309, OMIM 201300.
Generalized epilepsy with febrile seizures plus, type 7 (GEFSP7). Also called: GEFS+, TYPE 7. Identifiers: Orphanet 36387, MedGen C2751778, MONDO:0013470, OMIM 613863.

Allele frequency attached by ClinVar (database versions not stated): TOPMed below 0.00001; gnomAD 0.00001; ExAC 0.00002; gnomAD exomes 0.00002; 1000 Genomes Project 30x 0.00016; 1000 Genomes Project 0.00020.
gnomAD v4.1: 26 of 1,614,196 alleles (0.0016%); highest among the groups gnomAD compares: South Asian, 0.013%; no homozygotes.

Submission:

Labcorp Genetics (formerly Invitae), Labcorp
Classification: Uncertain significance for Neuropathy, hereditary sensory and autonomic, type 2A; Generalized epilepsy with febrile seizures plus, type 7. Last evaluated: 2025-03-02. Review status: criteria provided, single submitter. Criteria: Invitae Variant Classification Sherloc (09022015). Collection method: clinical testing. Allele origin: germline.
Comment: This sequence change replaces lysine, which is basic and polar, with glutamic acid, which is acidic and polar, at codon 1707 of the SCN9A protein (p.Lys1707Glu). This variant is present in population databases (rs199806034, gnomAD 0.006%). This variant has not been reported in the literature in individuals affected with SCN9A-related conditions. ClinVar contains an entry for this variant (Variation ID: 408577). Invitae Evidence Modeling of protein sequence and biophysical properties (such as structural, functional, and spatial information, amino acid conservation, physicochemical variation, residue mobility, and thermodynamic stability) indicates that this missense variant is not expected to disrupt SCN9A protein function with a negative predictive value of 95%. In summary, the available evidence is currently insufficient to determine the role of this variant in disease. Therefore, it has been classified as a Variant of Uncertain Significance.

NM_001365536.1(SCN9A):c.5152A>G (p.Lys1718Glu)

Genes: SCN1A-AS1 (SCN1A and SCN9A antisense RNA 1; plus strand), SCN9A (sodium voltage-gated channel alpha subunit 9; minus strand). Cytogenetic location: 2q24.3.
Variant type: single nucleotide variant.
Coding change: c.5152A>G on transcript NM_001365536.1 (MANE Select); coding-DNA position 5152, A replaced by G.
Protein change: p.Lys1718Glu; replaces lysine 1718 with glutamic acid.
Molecular consequence: missense variant.
Genome position (GRCh38, 1-based): chr2:166,199,487, T>C on the plus strand (A>G on the coding strand, the complement: SCN9A is on the minus strand). VCF-style: chr2-166199487-T-C. GRCh37 (hg19) VCF-style: chr2-167055997-T-C.
Other names: c.5119A>G, p.Lys1707Glu (NM_002977.4); short protein forms K1707E, K1718E.
Identifiers: ClinVar variation 408577 (VCV000408577.7), dbSNP rs199806034, ClinGen allele CA1943723.